The following is an entry in ClinVar:

ClinVar aggregate classification (germline): Uncertain significance (1 of 4 stars; one submission).

Conditions:
Dyskeratosis congenita. Identifiers: Orphanet 1775, MedGen C0265965, MONDO:0015780.

Submission:

Labcorp Genetics (formerly Invitae), Labcorp
Classification: Uncertain significance for Dyskeratosis congenita. Last evaluated: 2023-03-09. Review status: criteria provided, single submitter. Criteria: Invitae Variant Classification Sherloc (09022015). Collection method: clinical testing. Allele origin: germline.
Comment: This sequence change replaces proline, which is neutral and non-polar, with threonine, which is neutral and polar, at codon 331 of the CTC1 protein (p.Pro331Thr). Information on the frequency of this variant in the gnomAD database is not available, as this variant may be reported differently in the database. In summary, the available evidence is currently insufficient to determine the role of this variant in disease. Therefore, it has been classified as a Variant of Uncertain Significance. Experimental studies and prediction algorithms are not available or were not evaluated, and the functional significance of this variant is currently unknown. ClinVar contains an entry for this variant (Variation ID: 1381210). This variant has not been reported in the literature in individuals affected with CTC1-related conditions.

NM_025099.6(CTC1):c.990_991delinsTA (p.Pro331Thr)

Gene: CTC1 (CST telomere replication complex component 1; minus strand). Cytogenetic location: 17p13.1.
Variant type: Indel.
Coding change: c.990_991delinsTA on transcript NM_025099.6 (MANE Select); coding-DNA positions 990 to 991, CC replaced by TA.
Protein change: p.Pro331Thr; replaces proline 331 with threonine.
Molecular consequence: missense variant. On other transcripts: non-coding transcript variant (1).
Genome position (GRCh38, 1-based): chr17:8,236,144-8,236,145, GG replaced by TA on the plus strand (CC replaced by TA on the coding strand, the reverse complement: CTC1 is on the minus strand). VCF-style: chr17-8236144-GG-TA. GRCh37 (hg19) VCF-style: chr17-8139462-GG-TA.
Other names: short protein forms P331T.
Identifiers: ClinVar variation 1381210 (VCV001381210.4), dbSNP rs2151523180, ClinGen allele CA2573154568.